The following is an entry in ClinVar:

ClinVar aggregate classification (germline): Uncertain significance (1 of 4 stars; one submission).

Allele frequency attached by ClinVar (database versions not stated): gnomAD exomes below 0.00001 and 0.00001; TOPMed below 0.00001; gnomAD 0.00001.
gnomAD v4.1: 3 of 1,551,376 alleles (0.00019%); highest among the groups gnomAD compares: African/African-American, 0.0041%; no homozygotes.

Submission:

Labcorp Genetics (formerly Invitae), Labcorp
Classification: Uncertain significance. Last evaluated: 2022-01-13. Review status: criteria provided, single submitter. Criteria: Invitae Variant Classification Sherloc (09022015). Collection method: clinical testing. Allele origin: germline.
Comment: In summary, the available evidence is currently insufficient to determine the role of this variant in disease. Therefore, it has been classified as a Variant of Uncertain Significance. Algorithms developed to predict the effect of missense changes on protein structure and function are either unavailable or do not agree on the potential impact of this missense change (SIFT: "Deleterious"; PolyPhen-2: "Probably Damaging"; Align-GVGD: "Class C15"). This variant has not been reported in the literature in individuals affected with EYS-related conditions. This variant is present in population databases (no rsID available, gnomAD 0.01%). This sequence change replaces asparagine, which is neutral and polar, with aspartic acid, which is acidic and polar, at codon 2460 of the EYS protein (p.Asn2460Asp).

NM_001142800.2(EYS):c.7378A>G (p.Asn2460Asp)

Gene: EYS (EGF-like photoreceptor maintenance factor; minus strand). Cytogenetic location: 6q12.
Variant type: single nucleotide variant.
Coding change: c.7378A>G on transcript NM_001142800.2 (MANE Select); coding-DNA position 7378, A replaced by G.
Protein change: p.Asn2460Asp; replaces asparagine 2460 with aspartic acid.
Molecular consequence: missense variant.
Genome position (GRCh38, 1-based): chr6:63,806,223, T>C on the plus strand (A>G on the coding strand, the complement: EYS is on the minus strand). VCF-style: chr6-63806223-T-C. GRCh37 (hg19) VCF-style: chr6-64516116-T-C.
Other names: c.7378A>G, p.Asn2460Asp (NM_001292009.2); short protein forms N2460D.
Identifiers: ClinVar variation 1398298 (VCV001398298.8), dbSNP rs1358455064, ClinGen allele CA364387501.